The following is an entry in ClinVar:

ClinVar aggregate classification (germline): Conflicting classifications of pathogenicity. Review status: criteria provided, conflicting classifications (1 of 4 stars). 4 submissions from 4 submitters: Uncertain significance (2); Likely benign (2). Last evaluated 2026-01-14.

Conditions:
Achondrogenesis, type IB (ACG1B). Also called: Achondrogenesis Type 1B. Identifiers: Orphanet 932, Orphanet 93298, MedGen C0265274, MONDO:0010966, OMIM 600972.
Atelosteogenesis type II (AO2). Also called: Neonatal osseous dysplasia 1; SLC26A2-Related Atelosteogenesis; NEONATAL OSSEOUS DYSPLASIA I. Identifiers: Orphanet 56304, MedGen C1850554, MONDO:0009727, OMIM 256050.
Multiple epiphyseal dysplasia type 4 (EDM4). Also called: Multiple Epiphyseal Dysplasia, Recessive; MULTIPLE EPIPHYSEAL DYSPLASIA WITH BILAYERED PATELLAE; MULTIPLE EPIPHYSEAL DYSPLASIA WITH CLUBFOOT; MULTIPLE EPIPHYSEAL DYSPLASIA, AUTOSOMAL RECESSIVE; SLC26A2-Related Multiple Epiphyseal Dysplasia. Identifiers: Orphanet 93307, MedGen C1847593, MONDO:0009189, OMIM 226900.
Diastrophic dysplasia (DTD). Also called: Diastrophic dwarfism. Identifiers: Orphanet 628, MedGen C0220726, MONDO:0009107, OMIM 222600.
Inborn genetic diseases. Identifiers: MedGen C0950123, MeSH D030342.

Allele frequency attached by ClinVar (database versions not stated): gnomAD 0.00009; TOPMed 0.00010; gnomAD exomes 0.00012; ExAC 0.00014.
gnomAD v4.1: 193 of 1,614,086 alleles (0.012%); highest among the groups gnomAD compares: Admixed American, 0.017%; no homozygotes.

Submissions (4):

Labcorp Genetics (formerly Invitae), Labcorp
Classification: Likely benign for Atelosteogenesis type II; Multiple epiphyseal dysplasia type 4; Achondrogenesis, type IB; Diastrophic dysplasia. Last evaluated: 2026-01-14. Review status: criteria provided, single submitter. Criteria: Invitae Variant Classification Sherloc (09022015). Collection method: clinical testing. Allele origin: germline.

Ambry Genetics
Classification: Uncertain significance for Inborn genetic diseases. Last evaluated: 2025-04-08. Review status: criteria provided, single submitter. Criteria: Ambry Variant Classification Scheme 2023. Collection method: clinical testing. Allele origin: germline.

Blueprint Genetics
Classification: Likely benign. Last evaluated: 2024-11-13. Review status: criteria provided, single submitter. Criteria: ACMG Guidelines, 2015. Collection method: clinical testing. Allele origin: germline.

CeGaT Center for Human Genetics Tuebingen
Classification: Uncertain significance. Last evaluated: 2024-03-01. Review status: criteria provided, single submitter. Criteria: CeGaT Center For Human Genetics Tuebingen Variant Classification Criteria Version 2. Collection method: clinical testing. Allele origin: germline. Affected: yes. Observed: 1 variant allele.
Comment: SLC26A2: PM2

NM_000112.4(SLC26A2):c.193A>G (p.Asn65Asp)

Gene: SLC26A2 (solute carrier family 26 member 2; plus strand). Cytogenetic location: 5q32.
Variant type: single nucleotide variant.
Coding change: c.193A>G on transcript NM_000112.4 (MANE Select); coding-DNA position 193, A replaced by G.
Protein change: p.Asn65Asp; replaces asparagine 65 with aspartic acid.
Molecular consequence: missense variant.
Genome position (GRCh38, 1-based): chr5:149,977,845, A>G. VCF-style: chr5-149977845-A-G. GRCh37 (hg19) VCF-style: chr5-149357408-A-G.
Other names: c.193A>G (NM_000112.3); short protein forms N65D.
Identifiers: ClinVar variation 1096971 (VCV001096971.32), dbSNP rs755049614, ClinGen allele CA3505217.